The following is an entry in ClinVar:

NM_001080467.3(MYO5B):c.5233C>G (p.Gln1745Glu)

Genes: MYO5B (myosin VB; minus strand), SNHG22 (small nucleolar RNA host gene 22; plus strand). Cytogenetic location: 18q21.1.
Variant type: single nucleotide variant.
Coding change: c.5233C>G on transcript NM_001080467.3 (MANE Select); coding-DNA position 5233, C replaced by G.
Protein change: p.Gln1745Glu; replaces glutamine 1745 with glutamic acid.
Molecular consequence: missense variant.
Genome position (GRCh38, 1-based): chr18:49,836,791, G>C on the plus strand (C>G on the coding strand, the complement: MYO5B is on the minus strand). VCF-style: chr18-49836791-G-C. GRCh37 (hg19) VCF-style: chr18-47363161-G-C.
Other names: short protein forms Q1745E.
Identifiers: ClinVar variation 2764591 (VCV002764591.3), dbSNP rs2511233450, ClinGen allele CA402420068.

ClinVar aggregate classification (germline): Uncertain significance (1 of 4 stars; one submission).

Submission:

Labcorp Genetics (formerly Invitae), Labcorp
Classification: Uncertain significance. Last evaluated: 2023-10-10. Review status: criteria provided, single submitter. Criteria: Invitae Variant Classification Sherloc (09022015). Collection method: clinical testing. Allele origin: germline.
Comment: This sequence change replaces glutamine, which is neutral and polar, with glutamic acid, which is acidic and polar, at codon 1745 of the MYO5B protein (p.Gln1745Glu). This variant is not present in population databases (gnomAD no frequency). This variant has not been reported in the literature in individuals affected with MYO5B-related conditions. Advanced modeling of protein sequence and biophysical properties (such as structural, functional, and spatial information, amino acid conservation, physicochemical variation, residue mobility, and thermodynamic stability) has been performed at Invitae for this missense variant, however the output from this modeling did not meet the statistical confidence thresholds required to predict the impact of this variant on MYO5B protein function. In summary, the available evidence is currently insufficient to determine the role of this variant in disease. Therefore, it has been classified as a Variant of Uncertain Significance.